The following is an entry in ClinVar:

ClinVar aggregate classification (germline): Uncertain significance. Review status: criteria provided, multiple submitters, no conflicts (2 of 4 stars). 4 submissions from 2 submitters: Uncertain significance (4). Last evaluated 2025-03-21.

Conditions:
Atrial fibrillation, familial, 9 (ATFB9). Identifiers: MedGen C3151431, MONDO:0013513, OMIM 613980.
Short QT syndrome type 3. Identifiers: Orphanet 51083, MedGen C1865018, MONDO:0012314, OMIM 609622.
Andersen Tawil syndrome (LQT7). Also called: Potassium-sensitive periodic paralysis, ventricular ectopy, and dysmorphic features; ANDERSEN CARDIODYSRHYTHMIC PERIODIC PARALYSIS; LONG QT SYNDROME 7; PERIODIC PARALYSIS, POTASSIUM-SENSITIVE CARDIODYSRHYTHMIC TYPE; Andersen Syndrome. Identifiers: Orphanet 37553, MedGen C1563715, MONDO:0008222, OMIM 170390.

Allele frequency attached by ClinVar (database versions not stated): gnomAD exomes below 0.00001.

Submissions (4):

Women's Health and Genetics/Laboratory Corporation of America, LabCorp
Classification: Uncertain significance. Last evaluated: 2025-03-21. Review status: criteria provided, single submitter. Criteria: LabCorp Variant Classification Summary - May 2015. Collection method: clinical testing. Allele origin: germline.
Comment: Variant summary: KCNJ2 c.344C>T (p.Ala115Val) results in a non-conservative amino acid change in the encoded protein sequence. Four of five in-silico tools predict a benign effect of the variant on protein function. The variant was absent in 251478 control chromosomes. The available data on variant occurrences in the general population are insufficient to allow any conclusion about variant significance. To our knowledge, no occurrence of c.344C>T in individuals affected with Andersen Tawil syndrome and no experimental evidence demonstrating its impact on protein function have been reported. ClinVar contains an entry for this variant (Variation ID: 324831). Based on the evidence outlined above, the variant was classified as uncertain significance.

Illumina Laboratory Services, Illumina
Classification: Uncertain significance for Atrial fibrillation, familial, 9. Last evaluated: 2018-01-12. Review status: criteria provided, single submitter. Criteria: ICSL Variant Classification Criteria 13 December 2019. Collection method: clinical testing. Allele origin: germline.

Illumina Laboratory Services, Illumina
Classification: Uncertain significance for Andersen Tawil syndrome. Last evaluated: 2018-01-12. Review status: criteria provided, single submitter. Criteria: ICSL Variant Classification Criteria 13 December 2019. Collection method: clinical testing. Allele origin: germline.

Illumina Laboratory Services, Illumina
Classification: Uncertain significance for Short QT syndrome type 3. Last evaluated: 2018-01-12. Review status: criteria provided, single submitter. Criteria: ICSL Variant Classification Criteria 13 December 2019. Collection method: clinical testing. Allele origin: germline.

NM_000891.3(KCNJ2):c.344C>T (p.Ala115Val)

Gene: KCNJ2 (potassium inwardly rectifying channel subfamily J member 2; plus strand). Cytogenetic location: 17q24.3.
Variant type: single nucleotide variant.
Coding change: c.344C>T on transcript NM_000891.3 (MANE Select); coding-DNA position 344, C replaced by T.
Protein change: p.Ala115Val; replaces alanine 115 with valine.
Molecular consequence: missense variant.
Genome position (GRCh38, 1-based): chr17:70,175,383, C>T. VCF-style: chr17-70175383-C-T. GRCh37 (hg19) VCF-style: chr17-68171524-C-T.
Other names: short protein forms A115V.
Identifiers: ClinVar variation 324831 (VCV000324831.6), dbSNP rs886053323, ClinGen allele CA10650783.
Genomic context (GRCh38, chr17:70,175,383, plus strand): 5'-CATGGCTGTTTTTTGGCTGTGTGTTTTGGTTGATAGCTCTGCTCCATGGGGACCTGGATG[C>T]ATCCAAAGAGGGCAAAGCTTGTGTGTCCGAGGTCAACAGCTTCACGGCTGCCTTCCTCTT-3'
Protein context (NP_000882.1, residues 105-125): LIALLHGDLD[Ala115Val]SKEGKACVSE